The following is an entry in ClinVar:

ClinVar aggregate classification (germline): Uncertain significance. Review status: criteria provided, multiple submitters, no conflicts (2 of 4 stars). 3 submissions from 3 submitters: Uncertain significance (3). Last evaluated 2025-10-27.

Conditions:
Familial cold autoinflammatory syndrome 3 (FCAS3). Also called: FAMILIAL ATYPICAL COLD URTICARIA; ANTIBODY DEFICIENCY AND IMMUNE DYSREGULATION, PLCG2-ASSOCIATED. Identifiers: Orphanet 300359, MedGen C3280914, MONDO:0013766, OMIM 614468.
Autoinflammation-PLCG2-associated antibody deficiency-immune dysregulation. Also called: Autoinflammation, antibody deficiency, and immune dysregulation, plcg2-associated; AUTOINFLAMMATION, ANTIBODY DEFICIENCY, AND IMMUNE DYSREGULATION; Autoinflammation, antibody deficiency, and immune dysregulation syndrome. Identifiers: Orphanet 324530, MedGen C3553961, MONDO:0013944, OMIM 614878.
Inborn genetic diseases. Identifiers: MedGen C0950123, MeSH D030342.

Allele frequency attached by ClinVar (database versions not stated): gnomAD 0.00002; TOPMed 0.00002.

Submissions (3):

Labcorp Genetics (formerly Invitae), Labcorp
Classification: Uncertain significance for Familial cold autoinflammatory syndrome 3. Last evaluated: 2025-10-27. Review status: criteria provided, single submitter. Criteria: Invitae Variant Classification Sherloc (09022015). Collection method: clinical testing. Allele origin: germline.
Comment: This sequence change replaces arginine, which is basic and polar, with histidine, which is basic and polar, at codon 1201 of the PLCG2 protein (p.Arg1201His). This variant is present in population databases (rs768299957, gnomAD 0.006%). This variant has not been reported in the literature in individuals affected with PLCG2-related conditions. ClinVar contains an entry for this variant (Variation ID: 2589046). An algorithm developed to predict the effect of missense changes on protein structure and function (PolyPhen-2) suggests that this variant is likely to be disruptive. In summary, the available evidence is currently insufficient to determine the role of this variant in disease. Therefore, it has been classified as a Variant of Uncertain Significance.

Ambry Genetics
Classification: Uncertain significance for Inborn genetic diseases. Last evaluated: 2023-06-29. Review status: criteria provided, single submitter. Criteria: Ambry Variant Classification Scheme 2023. Collection method: clinical testing. Allele origin: germline.

Department of Pathology and Laboratory Medicine, Sinai Health System
Classification: Uncertain significance for Familial cold autoinflammatory syndrome 3; Autoinflammation-PLCG2-associated antibody deficiency-immune dysregulation. Last evaluated: 2021-11-16. Review status: criteria provided, single submitter. Criteria: ACMG Guidelines, 2015. Collection method: research. Allele origin: germline.

NM_002661.5(PLCG2):c.3602G>A (p.Arg1201His)

Gene: PLCG2 (phospholipase C gamma 2; plus strand). Cytogenetic location: 16q23.3.
Variant type: single nucleotide variant.
Coding change: c.3602G>A on transcript NM_002661.5 (MANE Select); coding-DNA position 3602, G replaced by A.
Protein change: p.Arg1201His; replaces arginine 1201 with histidine.
Molecular consequence: missense variant.
Genome position (GRCh38, 1-based): chr16:81,956,726, G>A. VCF-style: chr16-81956726-G-A. GRCh37 (hg19) VCF-style: chr16-81990331-G-A.
Other names: short protein forms R1201H.
Identifiers: ClinVar variation 2589046 (VCV002589046.6), dbSNP rs768299957, ClinGen allele CA8194786.